The following is an entry in ClinVar:

NM_018979.4(WNK1):c.4321G>A (p.Val1441Ile)

Gene: WNK1 (WNK lysine deficient protein kinase 1; plus strand). Cytogenetic location: 12p13.33.
Variant type: single nucleotide variant.
Coding change: c.4321G>A on transcript NM_018979.4 (MANE Select); coding-DNA position 4321, G replaced by A.
Protein change: p.Val1441Ile; replaces valine 1441 with isoleucine.
Molecular consequence: missense variant.
Genome position (GRCh38, 1-based): chr12:885,125, G>A. VCF-style: chr12-885125-G-A. GRCh37 (hg19) VCF-style: chr12-994291-G-A.
Other names: c.5101G>A, p.Val1701Ile (NM_001184985.2); c.3580G>A, p.Val1194Ile (NM_014823.3); c.5077G>A, p.Val1693Ile (NM_213655.5); short protein forms V1441I, V1701I, V1194I, V1693I.
Identifiers: ClinVar variation 644026 (VCV000644026.9), dbSNP rs72650731, ClinGen allele CA6382952.

ClinVar aggregate classification (germline): Uncertain significance. Review status: criteria provided, multiple submitters, no conflicts (2 of 4 stars). 2 submissions from 2 submitters: Uncertain significance (2). Last evaluated 2025-10-29.

Conditions:
Neuropathy, hereditary sensory and autonomic, type 2A (HSAN2A). Also called: WNK1-Related HSAN2 (HSAN2A); ACROOSTEOLYSIS, GIACCAI TYPE; ACROOSTEOLYSIS, NEUROGENIC; HSAN IIA; MORVAN DISEASE; NEUROPATHY, CONGENITAL SENSORY. Identifiers: Orphanet 970, MedGen C2752089, MONDO:0024309, OMIM 201300.
Pseudohypoaldosteronism type 2C (PHA2C). Also called: Pseudohypoaldosteronism Type IIC. Identifiers: Orphanet 757, Orphanet 88940, MedGen C1840391, MONDO:0013778, OMIM 614492.

Allele frequency attached by ClinVar (database versions not stated): gnomAD exomes below 0.00001 and 0.00001; ExAC 0.00001.
gnomAD v4.1: 4 of 1,614,152 alleles (0.00025%); highest among the groups gnomAD compares: Admixed American, 0.0033%; no homozygotes.

Submissions (2):

Labcorp Genetics (formerly Invitae), Labcorp
Classification: Uncertain significance for Neuropathy, hereditary sensory and autonomic, type 2A; Pseudohypoaldosteronism type 2C. Last evaluated: 2025-10-29. Review status: criteria provided, single submitter. Criteria: Invitae Variant Classification Sherloc (09022015). Collection method: clinical testing. Allele origin: germline.
Comment: This sequence change replaces valine, which is neutral and non-polar, with isoleucine, which is neutral and non-polar, at codon 1693 of the WNK1 protein (p.Val1693Ile). This variant is present in population databases (rs72650731, gnomAD 0.006%). This variant has not been reported in the literature in individuals affected with WNK1-related conditions. ClinVar contains an entry for this variant (Variation ID: 644026). Invitae Evidence Modeling of protein sequence and biophysical properties (such as structural, functional, and spatial information, amino acid conservation, physicochemical variation, residue mobility, and thermodynamic stability) indicates that this missense variant is not expected to disrupt WNK1 protein function with a negative predictive value of 95%. In summary, the available evidence is currently insufficient to determine the role of this variant in disease. Therefore, it has been classified as a Variant of Uncertain Significance.

Fulgent Genetics
Classification: Uncertain significance for Neuropathy, hereditary sensory and autonomic, type 2A; Pseudohypoaldosteronism type 2C. Last evaluated: 2024-02-06. Review status: criteria provided, single submitter. Criteria: ACMG Guidelines, 2015. Collection method: clinical testing. Allele origin: germline.